The following is an entry in ClinVar:

ClinVar aggregate classification (germline): Pathogenic/Likely pathogenic. Review status: criteria provided, multiple submitters, no conflicts (2 of 4 stars). 2 submissions from 2 submitters: Pathogenic (1); Likely pathogenic (1). Last evaluated 2024-12-27.

Allele frequency attached by ClinVar (database versions not stated): gnomAD exomes 0.00001; ExAC 0.00002; gnomAD 0.00005; TOPMed 0.00005; 1000 Genomes Project 30x 0.00016; 1000 Genomes Project 0.00020.

Submissions (2):

GeneDx
Classification: Likely pathogenic. Last evaluated: 2024-12-27. Review status: criteria provided, single submitter. Criteria: GeneDx Variant Classification Process June 2021. Collection method: clinical testing. Allele origin: germline.
Comment: Nonsense variant predicted to result in protein truncation or nonsense mediated decay in a gene for which loss of function is a known mechanism of disease; Not observed at significant frequency in large population cohorts (gnomAD); Has not been previously published as pathogenic or benign to our knowledge

Labcorp Genetics (formerly Invitae), Labcorp
Classification: Pathogenic. Last evaluated: 2024-02-17. Review status: criteria provided, single submitter. Criteria: Invitae Variant Classification Sherloc (09022015). Collection method: clinical testing. Allele origin: germline.
Comment: This sequence change creates a premature translational stop signal (p.Gln86*) in the RXYLT1 gene. It is expected to result in an absent or disrupted protein product. Loss-of-function variants in RXYLT1 are known to be pathogenic (PMID: 23217329, 23519211, 31742715). This variant is present in population databases (rs557282296, gnomAD 0.01%). This variant has not been reported in the literature in individuals affected with RXYLT1-related conditions. ClinVar contains an entry for this variant (Variation ID: 1422178). For these reasons, this variant has been classified as Pathogenic.

Literature cited by the submitters: PubMed 23217329 (cited by Labcorp Genetics (formerly Invitae), Labcorp); PubMed 23519211 (cited by Labcorp Genetics (formerly Invitae), Labcorp); PubMed 31742715 (cited by Labcorp Genetics (formerly Invitae), Labcorp).

NM_014254.3(RXYLT1):c.256C>T (p.Gln86Ter)

Gene: RXYLT1 (ribitol xylosyltransferase 1; plus strand). Cytogenetic location: 12q14.2.
Variant type: single nucleotide variant.
Coding change: c.256C>T on transcript NM_014254.3 (MANE Select); coding-DNA position 256, C replaced by T.
Protein change: p.Gln86Ter; replaces glutamine 86 with a stop codon.
Molecular consequence: nonsense. On other transcripts: 5 prime UTR variant (1).
Genome position (GRCh38, 1-based): chr12:63,781,105, C>T. VCF-style: chr12-63781105-C-T. GRCh37 (hg19) VCF-style: chr12-64174885-C-T.
Other names: c.256C>T (NM_014254.2); c.-525C>T (NM_001278237.2); short protein forms Q86*.
Identifiers: ClinVar variation 1422178 (VCV001422178.8), dbSNP rs557282296, ClinGen allele CA6666030.
Genomic context (GRCh38, chr12:63,781,105, plus strand): 5'-TGGAATCCTTGGGAAGGAGATGAAAAAAATGAGCAACAACACAGATTTAAAACTAGCCTT[C>T]AAATATTAGATAAATCCACGAAAGGAAAAACAGATCTCAGTGTACAAATCTGGGGCAAAG-3'